The following is an entry in ClinVar:

NM_005573.4(LMNB1):c.778T>C (p.Tyr260His)

Gene: LMNB1 (lamin B1; plus strand). Cytogenetic location: 5q23.2.
Variant type: single nucleotide variant.
Coding change: c.778T>C on transcript NM_005573.4 (MANE Select); coding-DNA position 778, T replaced by C.
Protein change: p.Tyr260His; replaces tyrosine 260 with histidine.
Molecular consequence: missense variant. On other transcripts: non-coding transcript variant (2).
Genome position (GRCh38, 1-based): chr5:126,810,315, T>C. VCF-style: chr5-126810315-T-C. GRCh37 (hg19) VCF-style: chr5-126146007-T-C.
Other names: c.148T>C, p.Tyr50His (NM_001198557.2); short protein forms Y260H, Y50H.
Identifiers: ClinVar variation 2574911 (VCV002574911.1), dbSNP rs2479516790, ClinGen allele CA360721851.
Genomic context (GRCh38, chr5:126,810,315, plus strand): 5'-TACAAGCTGGCGCAAGCCCTTCATGAGATGAGAGAGCAACATGATGCCCAAGTGAGGCTG[T>C]ATAAGGAGGAGCTGGAGCAGACTTACCATGCCAAAGTGAGCTCTCTTCAGAAGATTCTTT-3'
Protein context (NP_005564.1, residues 250-270): REQHDAQVRL[Tyr260His]KEELEQTYHA

ClinVar aggregate classification (germline): Uncertain significance (1 of 4 stars; one submission).

Submission:

GeneDx
Classification: Uncertain significance. Last evaluated: 2023-02-05. Review status: criteria provided, single submitter. Criteria: GeneDx Variant Classification Process June 2021. Collection method: clinical testing. Allele origin: germline. Affected: yes.
Comment: Not observed at significant frequency in large population cohorts (gnomAD); In silico analysis supports that this missense variant has a deleterious effect on protein structure/function; Has not been previously published as pathogenic or benign to our knowledge